The following is an entry in ClinVar:

NM_007294.4(BRCA1):c.3569C>T (p.Pro1190Leu)

Genes: BRCA1 (BRCA1 DNA repair associated; minus strand), LOC126862571 (BRD4-independent group 4 enhancer GRCh37_chr17:41243136-41244335; plus strand). Cytogenetic location: 17q21.31.
Variant type: single nucleotide variant.
Coding change: c.3569C>T on transcript NM_007294.4 (MANE Select); coding-DNA position 3569, C replaced by T.
Protein change: p.Pro1190Leu; replaces proline 1190 with leucine.
Molecular consequence: missense variant. On other transcripts: intron variant (135).
Genome position (GRCh38, 1-based): chr17:43,091,962, G>A on the plus strand (C>T on the coding strand, the complement: BRCA1 is on the minus strand). VCF-style: chr17-43091962-G-A. GRCh37 (hg19) VCF-style: chr17-41243979-G-A.
Other names: c.3356C>T, p.Pro1119Leu (NM_001407571.1, NM_001407853.1, NM_001407894.1 and 9 more transcripts); c.3569C>T, p.Pro1190Leu (NM_001407581.1, NM_001407582.1, NM_001407583.1 and 30 more transcripts); c.3566C>T, p.Pro1189Leu (NM_001407587.1, NM_001407590.1, NM_001407591.1 and 22 more transcripts); c.3560C>T, p.Pro1187Leu (NM_001407646.1, NM_001407647.1); c.3446C>T, p.Pro1149Leu (NM_001407648.1, NM_001407664.1, NM_001407665.1 and 19 more transcripts); c.3443C>T, p.Pro1148Leu (NM_001407649.1, NM_001407670.1, NM_001407671.1 and 11 more transcripts); c.3491C>T, p.Pro1164Leu (NM_001407653.1, NM_001407654.1, NM_001407655.1 and 4 more transcripts); c.3488C>T, p.Pro1163Leu (NM_001407659.1, NM_001407660.1, NM_001407661.1 and 1 more transcripts); and 41 more; short protein forms P1190L, P1143L, P1062L, P1122L, P1148L, P1149L, P322L, P1078L.
Identifiers: ClinVar variation 233875 (VCV000233875.24), dbSNP rs755209182, ClinGen allele CA059382.

ClinVar aggregate classification (germline): Conflicting classifications of pathogenicity. Review status: criteria provided, conflicting classifications (1 of 4 stars). 7 submissions from 7 submitters: Uncertain significance (5); Likely benign (2). Last evaluated 2025-07-08.

Conditions:
Hereditary breast ovarian cancer syndrome. Also called: Breast and ovarian cancer; Hereditary breast and ovarian cancer; Hereditary breast and ovarian cancer syndrome; Hereditary breast and/or ovarian cancer syndrome; BRCA1- and BRCA2-Associated Hereditary Breast and Ovarian Cancer; Hereditary breast and ovarian cancer syndrome (HBOC). Identifiers: Orphanet 145, MedGen C0677776, MeSH D061325, MONDO:0003582. Disease mechanism: loss of function.
Breast-ovarian cancer, familial, susceptibility to, 1 (BROVCA1). Also called: BRCA1 Hereditary Breast and Ovarian Cancer; OVARIAN CANCER, SUSCEPTIBILITY TO. Identifiers: Orphanet 145, MedGen C2676676, MONDO:0011450, OMIM 604370. Disease mechanism: loss of function.
Hereditary cancer-predisposing syndrome. Also called: Tumor predisposition; Hereditary Cancer Syndrome; Neoplastic Syndromes, Hereditary; Hereditary neoplastic syndrome. Identifiers: Orphanet 140162, MedGen C0027672, MeSH D009386, MONDO:0015356.

Allele frequency attached by ClinVar (database versions not stated): gnomAD exomes below 0.00001; ExAC 0.00001.
gnomAD v4.1: 1 of 1,614,070 alleles (0.000062%); highest among the groups gnomAD compares: Admixed American, 0.0017%; no homozygotes.

Submissions (7):

Labcorp Genetics (formerly Invitae), Labcorp
Classification: Uncertain significance for Hereditary breast ovarian cancer syndrome. Last evaluated: 2025-07-08. Review status: criteria provided, single submitter. Criteria: Invitae Variant Classification Sherloc (09022015). Collection method: clinical testing. Allele origin: germline.
Comment: This sequence change replaces proline, which is neutral and non-polar, with leucine, which is neutral and non-polar, at codon 1190 of the BRCA1 protein (p.Pro1190Leu). This variant is present in population databases (rs755209182, gnomAD 0.003%). This missense change has been observed in individual(s) with hereditary breast and/or ovarian cancer syndrome (PMID: 25556971). ClinVar contains an entry for this variant (Variation ID: 233875). An algorithm developed to predict the effect of missense changes on protein structure and function outputs the following: PolyPhen-2: "Benign". The leucine amino acid residue is found in multiple mammalian species, which suggests that this missense change does not adversely affect protein function. In summary, the available evidence is currently insufficient to determine the role of this variant in disease. Therefore, it has been classified as a Variant of Uncertain Significance.

Ambry Genetics
Classification: Uncertain significance for Hereditary cancer-predisposing syndrome. Last evaluated: 2025-06-12. Review status: criteria provided, single submitter. Criteria: Ambry Variant Classification Scheme 2023. Collection method: clinical testing. Allele origin: germline.
Comment: The p.P1190L variant (also known as c.3569C>T), located in coding exon 9 of the BRCA1 gene, results from a C to T substitution at nucleotide position 3569. The proline at codon 1190 is replaced by leucine, an amino acid with similar properties. This alteration has been reported in 1/115 individuals with known BRCA1 and BRCA2 variants who were used as a validation cohort in a next-generation sequencing study (Trujillano D et al. J Mol Diagn. 2015 Mar;17:162-70). This amino acid position is not well conserved in available vertebrate species. In addition, the in silico prediction for this alteration is inconclusive. Since supporting evidence is limited at this time, the clinical significance of this alteration remains unclear.

University of Washington Department of Laboratory Medicine, University of Washington
Classification: Likely benign for Hereditary cancer-predisposing syndrome. Last evaluated: 2023-03-23. Review status: criteria provided, single submitter. Criteria: Dines et al. (Genet Med. 2020). Collection method: curation. Allele origin: germline.
Comment: Missense variant in a coldspot region where missense variants are very unlikely to be pathogenic (PMID:31911673).

BRCA1 coldspot (exon 11 using historical exon numbering). Reclassification based on statistical prior probability

Myriad Genetics, Inc.
Classification: Likely benign for Breast-ovarian cancer, familial, susceptibility to, 1. Last evaluated: 2023-03-08. Review status: criteria provided, single submitter. Criteria: Myriad Autosomal Dominant, Autosomal Recessive and X-Linked Classification Criteria (2023). Collection method: clinical testing. Allele origin: unknown.
Comment: This variant is considered likely benign. This variant is strongly associated with less severe personal and family histories of cancer, typical for individuals without pathogenic variants in this gene [PMID: 25085752].

Color Diagnostics, LLC DBA Color Health
Classification: Uncertain significance for Hereditary cancer-predisposing syndrome. Last evaluated: 2022-08-23. Review status: criteria provided, single submitter. Criteria: ACMG Guidelines, 2015. Collection method: clinical testing. Allele origin: germline.
Comment: This missense variant replaces proline with leucine at codon 1190 of the BRCA1 protein. Computational prediction suggests that this variant may have deleterious impact on protein structure and function (internally defined REVEL score threshold >= 0.7, PMID: 27666373). To our knowledge, functional studies have not been reported for this variant. This variant has been detected in a breast cancer case-control meta-analysis in 0/60466 cases and 1/53461 unaffected individuals (PMID: 33471991; Leiden Open Variation Database DB-ID BRCA1_006318). This variant has been identified in 1/250876 chromosomes in the general population by the Genome Aggregation Database (gnomAD). The available evidence is insufficient to determine the role of this variant in disease conclusively. Therefore, this variant is classified as a Variant of Uncertain Significance.

Sema4
Classification: Uncertain significance for Hereditary cancer-predisposing syndrome. Last evaluated: 2021-09-20. Review status: criteria provided, single submitter. Criteria: Sema4 Curation Guidelines. Collection method: curation. Allele origin: germline.
Comment: The BRCA1 c.3569C>T (p.P1190L) missense variant has previously been reported in an individual with suspected breast and/or ovarian cancer disease (PMID: 25556971). This variant was observed in 1/250876 chromosomes among all subpopulations of the Genome Aggregation Database (PMID: PMID: 32461654). This variant has been reported in ClinVar (Variation ID 233875). In silico tools suggest the impact of the variant on protein function is deleterious, though these predictions have not been confirmed by functional studies. The overall evidence is insufficient to meet ACMG/AMP criteria for classifying it as benign or pathogenic. In summary, the clinical significance of this variant is currently uncertain.

Quest Diagnostics Nichols Institute San Juan Capistrano
Classification: Uncertain significance. Last evaluated: 2020-10-02. Review status: criteria provided, single submitter. Criteria: Quest Diagnostics criteria. Collection method: clinical testing. Allele origin: unknown.

Literature cited by the submitters: PubMed 25556971 (cited by 4 submitters); PubMed 25085752 (cited by Myriad Genetics, Inc.); PubMed 33471991 (cited by Color Diagnostics, LLC DBA Color Health).